The following is an entry in ClinVar:

ClinVar aggregate classification (germline): Conflicting classifications of pathogenicity. Review status: criteria provided, conflicting classifications (1 of 4 stars). 2 submissions from 2 submitters: Uncertain significance (1); Likely benign (1). Last evaluated 2025-02-11.

Conditions:
LMF1-related disorder. Also called: LMF1-related condition.
Cardiovascular phenotype. Identifiers: MedGen CN230736.

Allele frequency attached by ClinVar (database versions not stated): ExAC 0.00006; ESP Exome Variant Server 0.00016; TOPMed 0.00019.
gnomAD v4.1: 52 of 1,612,912 alleles (0.0032%); highest among the groups gnomAD compares: African/African-American, 0.023%; no homozygotes.

Submissions (2):

Ambry Genetics
Classification: Likely benign for Cardiovascular phenotype. Last evaluated: 2025-02-11. Review status: criteria provided, single submitter. Criteria: Ambry Variant Classification Scheme 2023. Collection method: clinical testing. Allele origin: germline.

PreventionGenetics, part of Exact Sciences
Classification: Uncertain significance for LMF1-related condition. Last evaluated: 2023-06-07. Review status: criteria provided, single submitter. Criteria: ACMG Guidelines, 2015. Collection method: clinical testing. Allele origin: germline.
Comment: The LMF1 c.575C>T variant is predicted to result in the amino acid substitution p.Thr192Met. To our knowledge, this variant has not been reported in the literature. However, a different substitution of the same amino acid (p.Thr192Lys) has been reported in a patient with high triglyceride levels and acute pancreatitis (Jin et al. 2018. PubMed ID: 30420299, Supplemental Table S2). This variant is reported in 0.029% of alleles in individuals of African descent in gnomAD. Although we suspect that this variant may be pathogenic, at this time, the clinical significance of this variant is uncertain due to the absence of conclusive functional and genetic evidence.

NM_022773.4(LMF1):c.575C>T (p.Thr192Met)

Gene: LMF1 (lipase maturation factor 1; minus strand). Cytogenetic location: 16p13.3.
Variant type: single nucleotide variant.
Coding change: c.575C>T on transcript NM_022773.4 (MANE Select); coding-DNA position 575, C replaced by T.
Protein change: p.Thr192Met; replaces threonine 192 with methionine.
Molecular consequence: missense variant. On other transcripts: 5 prime UTR variant (2), non-coding transcript variant (1).
Genome position (GRCh38, 1-based): chr16:911,019, G>A on the plus strand (C>T on the coding strand, the complement: LMF1 is on the minus strand). VCF-style: chr16-911019-G-A. GRCh37 (hg19) VCF-style: chr16-961019-G-A.
Other names: c.-77C>T (NM_001352017.2, NM_001352021.2); c.176C>T, p.Thr59Met (NM_001352018.2); c.248C>T, p.Thr83Met (NM_001352019.2); c.575C>T, p.Thr192Met (NM_001352020.1); short protein forms T192M, T59M, T83M.
Identifiers: ClinVar variation 2634241 (VCV002634241.2), dbSNP rs370179235, ClinGen allele CA7797459.